The following is an entry in ClinVar:

NM_001142800.2(EYS):c.8158_8159del (p.Ile2720fs)

Gene: EYS (EGF-like photoreceptor maintenance factor; minus strand). Cytogenetic location: 6q12.
Variant type: Microsatellite.
Coding change: c.8158_8159del on transcript NM_001142800.2 (MANE Select); coding-DNA positions 8158 to 8159, 2 bases deleted (AT; older notation c.8158_8159delAT).
Protein change: p.Ile2720fs; shifts the reading frame from isoleucine 2720.
Molecular consequence: frameshift variant.
Genome position (GRCh38, 1-based): chr6:63,726,593-63,726,594, AT deleted on the plus strand (AT on the coding strand, the reverse complement: EYS is on the minus strand); deleting any 2 consecutive bases within chr6:63,726,593-63,726,596 gives the same sequence; the c. name uses the placement nearest the transcript's 3' end. VCF-style (leftmost placement, unchanged base first): chr6-63726592-AAT-A. GRCh37 (hg19) VCF-style: chr6-64436485-AAT-A.
Other names: c.8221_8222del, p.Ile2741fs (NM_001292009.2); short protein forms I2741fs, I2720fs.
Identifiers: ClinVar variation 1453515 (VCV001453515.6), dbSNP rs2149631831, ClinGen allele CA2580617274.
Genomic context (GRCh38, chr6:63,726,592, plus strand): 5'-TAAGTGTTGTGCAGCATAAAATAGGATACCATCTGCAGCGAGAGGCTGAAACTGCAATTG[AAT>A]ATGTGTCTTTTTTCGAACATGAAAGGAAGCAAAAGACATCCAGGATAACTCATTGCTTCT-3'

ClinVar aggregate classification (germline): Pathogenic (1 of 4 stars; one submission).

Submission:

Labcorp Genetics (formerly Invitae), Labcorp
Classification: Pathogenic. Last evaluated: 2023-11-08. Review status: criteria provided, single submitter. Criteria: Invitae Variant Classification Sherloc (09022015). Collection method: clinical testing. Allele origin: germline.
Comment: This sequence change creates a premature translational stop signal (p.Ile2720Serfs*26) in the EYS gene. While this is not anticipated to result in nonsense mediated decay, it is expected to disrupt the last 425 amino acid(s) of the EYS protein. This variant is not present in population databases (gnomAD no frequency). This variant has not been reported in the literature in individuals affected with EYS-related conditions. This variant disrupts a region of the EYS protein in which other variant(s) (p.Tyr3135*) have been determined to be pathogenic (PMID: 18976725, 29159838, 30337596, 31074760). This suggests that this is a clinically significant region of the protein, and that variants that disrupt it are likely to be disease-causing. For these reasons, this variant has been classified as Pathogenic.

Literature cited by the submitters: PubMed 18976725; PubMed 29159838; PubMed 30337596; PubMed 31074760.